The following is an entry in ClinVar:

ClinVar aggregate classification (germline): Uncertain significance (1 of 4 stars; one submission).

Submission:

CeGaT Center for Human Genetics Tuebingen
Classification: Uncertain significance. Last evaluated: 2026-01-01. Review status: criteria provided, single submitter. Criteria: CeGaT Center For Human Genetics Tuebingen Variant Classification Criteria Version 2. Collection method: clinical testing. Allele origin: germline. Affected: yes. Observed: 1 variant allele.
Comment: CDK16: PM2

NM_006201.5(CDK16):c.1028T>C (p.Ile343Thr)

Gene: CDK16 (cyclin dependent kinase 16; plus strand). Cytogenetic location: Xp11.3.
Variant type: single nucleotide variant.
Coding change: c.1028T>C on transcript NM_006201.5 (MANE Select); coding-DNA position 1028, T replaced by C.
Protein change: p.Ile343Thr; replaces isoleucine 343 with threonine.
Molecular consequence: missense variant.
Genome position (GRCh38, 1-based): chrX:47,226,694, T>C. VCF-style: chrX-47226694-T-C. GRCh37 (hg19) VCF-style: chrX-47086093-T-C.
Other names: c.1250T>C, p.Ile417Thr (NM_001170460.2); c.1169T>C, p.Ile390Thr (NM_001440783.1); c.1157T>C, p.Ile386Thr (NM_001440784.1); c.1046T>C, p.Ile349Thr (NM_001440785.1, NM_033018.4); c.1028T>C, p.Ile343Thr (NM_001440786.1); short protein forms I343T, I349T, I386T, I390T, I417T.
Identifiers: ClinVar variation 4822906 (VCV004822906.4).